The following is an entry in ClinVar:

NM_014014.5(SNRNP200):c.1189G>T (p.Asp397Tyr)

Gene: SNRNP200 (small nuclear ribonucleoprotein U5 subunit 200; minus strand). Cytogenetic location: 2q11.2.
Variant type: single nucleotide variant.
Coding change: c.1189G>T on transcript NM_014014.5 (MANE Select); coding-DNA position 1189, G replaced by T.
Protein change: p.Asp397Tyr; replaces aspartic acid 397 with tyrosine.
Molecular consequence: missense variant.
Genome position (GRCh38, 1-based): chr2:96,297,651, C>A on the plus strand (G>T on the coding strand, the complement: SNRNP200 is on the minus strand). VCF-style: chr2-96297651-C-A. GRCh37 (hg19) VCF-style: chr2-96963389-C-A.
Other names: short protein forms D397Y.
Identifiers: ClinVar variation 1059625 (VCV001059625.9), dbSNP rs2104358080, ClinGen allele CA347683511.

ClinVar aggregate classification (germline): Uncertain significance (1 of 4 stars; one submission).

Submission:

Labcorp Genetics (formerly Invitae), Labcorp
Classification: Uncertain significance. Last evaluated: 2022-02-05. Review status: criteria provided, single submitter. Criteria: Invitae Variant Classification Sherloc (09022015). Collection method: clinical testing. Allele origin: germline.
Comment: In summary, the available evidence is currently insufficient to determine the role of this variant in disease. Therefore, it has been classified as a Variant of Uncertain Significance. Algorithms developed to predict the effect of missense changes on protein structure and function are either unavailable or do not agree on the potential impact of this missense change (SIFT: "Deleterious"; PolyPhen-2: "Possibly Damaging"; Align-GVGD: "Class C0"). ClinVar contains an entry for this variant (Variation ID: 1059625). This variant has not been reported in the literature in individuals affected with SNRNP200-related conditions. This variant is not present in population databases (gnomAD no frequency). This sequence change replaces aspartic acid, which is acidic and polar, with tyrosine, which is neutral and polar, at codon 397 of the SNRNP200 protein (p.Asp397Tyr).